The following is an entry in ClinVar:

NM_138477.4(CDAN1):c.3554_3558+2del

Gene: CDAN1 (codanin 1; minus strand). Cytogenetic location: 15q15.2.
Variant type: Deletion.
Coding change: c.3554_3558+2del on transcript NM_138477.4 (MANE Select); coding-DNA position 3554 through the canonical splice donor site of the intron after coding-DNA position 3558, 7 bases deleted (CAGGGGT; older notation c.3554_3558+2delCAGGGGT).
Molecular consequence: splice donor variant.
Genome position (GRCh38, 1-based): chr15:42,725,142-42,725,148, ACCCCTG deleted on the plus strand (CAGGGGT on the coding strand, the reverse complement: CDAN1 is on the minus strand). VCF-style (leftmost placement, unchanged base first): chr15-42725141-TACCCCTG-T. GRCh37 (hg19) VCF-style: chr15-43017339-TACCCCTG-T.
Identifiers: ClinVar variation 2836443 (VCV002836443.3), dbSNP rs2506064523, ClinGen allele CA2739279901.

ClinVar aggregate classification (germline): Likely pathogenic (1 of 4 stars; one submission).

Submission:

Labcorp Genetics (formerly Invitae), Labcorp
Classification: Likely pathogenic. Last evaluated: 2023-02-11. Review status: criteria provided, single submitter. Criteria: Invitae Variant Classification Sherloc (09022015). Collection method: clinical testing. Allele origin: germline.
Comment: This variant results in the deletion of part of exon 27 (c.3554_3558+2del) of the CDAN1 gene. It is expected to disrupt RNA splicing. Variants that disrupt the donor or acceptor splice site typically lead to a loss of protein function (PMID: 16199547), and loss-of-function variants in CDAN1 are known to be pathogenic (PMID: 16098079, 16141353). This variant is not present in population databases (gnomAD no frequency). This variant has not been reported in the literature in individuals affected with CDAN1-related conditions. Algorithms developed to predict the effect of sequence changes on RNA splicing suggest that this variant may disrupt the consensus splice site. In summary, the currently available evidence indicates that the variant is pathogenic, but additional data are needed to prove that conclusively. Therefore, this variant has been classified as Likely Pathogenic.

Literature cited by the submitters: PubMed 16199547; PubMed 16098079; PubMed 16141353.